The following is an entry in ClinVar:

ClinVar aggregate classification (germline): Uncertain significance (1 of 4 stars; one submission).

gnomAD v4.1: 2 of 1,613,524 alleles (0.00012%); highest among the groups gnomAD compares: South Asian, 0.0011%; no homozygotes.

Submission:

CeGaT Center for Human Genetics Tuebingen
Classification: Uncertain significance. Last evaluated: 2026-04-01. Review status: criteria provided, single submitter. Criteria: CeGaT Center For Human Genetics Tuebingen Variant Classification Criteria Version 2. Collection method: clinical testing. Allele origin: germline. Affected: yes. Observed: 1 variant allele.
Comment: ZNF292: PM2, BP4

NM_015021.3(ZNF292):c.4681A>G (p.Ile1561Val)

Gene: ZNF292 (zinc finger protein 292; plus strand). Cytogenetic location: 6q14.3.
Variant type: single nucleotide variant.
Coding change: c.4681A>G on transcript NM_015021.3 (MANE Select); coding-DNA position 4681, A replaced by G.
Protein change: p.Ile1561Val; replaces isoleucine 1561 with valine.
Molecular consequence: missense variant.
Genome position (GRCh38, 1-based): chr6:87,258,310, A>G. VCF-style: chr6-87258310-A-G. GRCh37 (hg19) VCF-style: chr6-87968028-A-G.
Other names: c.4261A>G, p.Ile1421Val (NM_001351444.2); short protein forms I1421V, I1561V.
Identifiers: ClinVar variation 4874451 (VCV004874451.2).